The following is an entry in ClinVar:

ClinVar aggregate classification (germline): Pathogenic/Likely pathogenic. Review status: criteria provided, multiple submitters, no conflicts (2 of 4 stars). 4 submissions from 4 submitters: Pathogenic (2); Likely pathogenic (1). 1 of the submissions does not count toward it. Last evaluated 2024-04-16.

Conditions:
Arthrogryposis multiplex congenita 6. Identifiers: MedGen C5543431, MONDO:0030281, OMIM 619334.
Nemaline myopathy 2 (NEM2). Also called: Nemaline myopathy 2, autosomal recessive. Identifiers: MedGen C1850569, MONDO:0009725, OMIM 256030.

Submissions (4):

Natera, Inc.
Classification: Likely pathogenic for Nemaline myopathy type 2. Last evaluated: 2024-04-16. Review status: criteria provided, single submitter. Criteria: Natera Variant Classification Schema (03/2026). Collection method: clinical testing. Allele origin: germline.
Comment: The c.24473_24476dupAACA variant in NEB is a frameshift variant predicted to shift the reading frame beginning at codon 8159 and leads to a stop codon 8 codons downstream. This variant is expected to result in nonsense mediated decay, truncation, or a dysfunctional protein product. This variant is rare in the general population with a frequency below the threshold expected for the associated phenotype(s). Given the available evidence, this variant is classified as Likely Pathogenic.

Baylor Genetics
Classification: Pathogenic for Arthrogryposis multiplex congenita 6. Last evaluated: 2023-11-29. Review status: criteria provided, single submitter. Criteria: ACMG Guidelines, 2015. Collection method: clinical testing. Allele origin: unknown.

Labcorp Genetics (formerly Invitae), Labcorp
Classification: Pathogenic for Nemaline myopathy 2. Last evaluated: 2023-08-09. Review status: criteria provided, single submitter. Criteria: Invitae Variant Classification Sherloc (09022015). Collection method: clinical testing. Allele origin: germline.
Comment: For these reasons, this variant has been classified as Pathogenic. Algorithms developed to predict the effect of sequence changes on RNA splicing suggest that this variant may disrupt the consensus splice site. ClinVar contains an entry for this variant (Variation ID: 551551). This premature translational stop signal has been observed in individual(s) with nemaline myopathy (PMID: 25205138). This variant is not present in population databases (gnomAD no frequency). This sequence change creates a premature translational stop signal (p.His8159Glnfs*8) in the NEB gene. It is expected to result in an absent or disrupted protein product. Loss-of-function variants in NEB are known to be pathogenic (PMID: 25205138).

Counsyl
Classification: Likely pathogenic for Nemaline myopathy 2. Last evaluated: 2017-04-18. Review status: no assertion criteria provided. Collection method: clinical testing. Allele origin: unknown. Not counted in ClinVar's aggregate classification.

Literature cited by the submitters: PubMed 25205138 (cited by Labcorp Genetics (formerly Invitae), Labcorp and Counsyl).

NM_001164508.2(NEB):c.24368_24371dup (p.His8124fs)

Genes: NEB (nebulin; minus strand), RIF1 (replication timing regulatory factor 1; plus strand). Cytogenetic location: 2q23.3.
Variant type: Duplication.
Coding change: c.24368_24371dup on transcript NM_001164508.2 (MANE Select); coding-DNA positions 24368 to 24371, 4 bases duplicated (AACA; older notation c.24368_24371dupAACA).
Protein change: p.His8124fs; shifts the reading frame from histidine 8124.
Molecular consequence: frameshift variant. On other transcripts: intron variant (1).
Genome position (GRCh38, 1-based): chr2:151,496,963-151,496,966, TGTT duplicated on the plus strand (AACA on the coding strand, the reverse complement: NEB is on the minus strand); duplicating any 4 consecutive bases within chr2:151,496,963-151,496,968 gives the same sequence; the c. name uses the placement nearest the transcript's 3' end. VCF-style (leftmost placement, unchanged base first): chr2-151496962-G-GTGTT. GRCh37 (hg19) VCF-style: chr2-152353476-G-GTGTT.
Other names: c.24368_24371dup, p.His8124fs (NM_001164507.2); c.24473_24476dup, p.His8159fs (NM_001271208.2); c.18826-598_18826-595dup (NM_004543.5); c.24473_24476dup (NM_001271208.1); c.24473_24476dupAACA (NM_001271208.1); short protein forms H8124fs, H8159fs.
Identifiers: ClinVar variation 551551 (VCV000551551.8), dbSNP rs1553548207, ClinGen allele CA658821202.
Genomic context (GRCh38, chr2:151,496,962, plus strand): 5'-AAATCAGTAAGTAGTTTTTTTCTTTTCTTGCCCAAGTACCGAGCTAATATTTTCTTGATT[G>GTGTT]TGTTTGACTCTCTCCATCTCAGGAGTGACAGGTAGAGGGGTTCCCTTGCCCATGTTTTCT-3'